The following is an entry in ClinVar:

NM_152594.3(SPRED1):c.151G>C (p.Glu51Gln)

Gene: SPRED1 (sprouty related EVH1 domain containing 1; plus strand). Cytogenetic location: 15q14.
Variant type: single nucleotide variant.
Coding change: c.151G>C on transcript NM_152594.3 (MANE Select); coding-DNA position 151, G replaced by C.
Protein change: p.Glu51Gln; replaces glutamic acid 51 with glutamine.
Molecular consequence: missense variant.
Genome position (GRCh38, 1-based): chr15:38,299,491, G>C. VCF-style: chr15-38299491-G-C. GRCh37 (hg19) VCF-style: chr15-38591692-G-C.
Other names: short protein forms E51Q.
Identifiers: ClinVar variation 3448789 (VCV003448789.1).

ClinVar aggregate classification (germline): Uncertain significance (1 of 4 stars; one submission).

Conditions:
Cardiovascular phenotype. Identifiers: MedGen CN230736.

Submission:

Ambry Genetics
Classification: Uncertain significance for Cardiovascular phenotype. Last evaluated: 2024-11-21. Review status: criteria provided, single submitter. Criteria: Ambry Variant Classification Scheme 2023. Collection method: clinical testing. Allele origin: germline.
Comment: The p.E51Q variant (also known as c.151G>C), located in coding exon 2 of the SPRED1 gene, results from a G to C substitution at nucleotide position 151. The glutamic acid at codon 51 is replaced by glutamine, an amino acid with highly similar properties. This amino acid position is conserved. In addition, the in silico prediction for this alteration is inconclusive. Based on the available evidence, the clinical significance of this variant remains unclear.